The following is an entry in ClinVar:

ClinVar aggregate classification (germline): Conflicting classifications of pathogenicity. Review status: criteria provided, conflicting classifications (1 of 4 stars). 3 submissions from 3 submitters: Uncertain significance (1); Likely benign (1). 1 of the submissions does not count toward it. Last evaluated 2016-12-09.

Conditions:
KCNJ11-related disorder. Also called: KCNJ11-related condition; KCNJ11-related disorders.
Maturity-onset diabetes of the young (MODY). Also called: Maturity onset diabetes mellitus in young. Identifiers: Orphanet 552, MedGen C0342276, MONDO:0018911, HP:0004904.

Allele frequency attached by ClinVar (database versions not stated): 1000 Genomes Project 30x 0.00156; TOPMed 0.00173; gnomAD exomes 0.00012; 1000 Genomes Project 0.00140; gnomAD 0.00141 and 0.00156.

Submissions (3):

Genetic Services Laboratory, University of Chicago
Classification: Likely benign. Last evaluated: 2016-12-09. Review status: criteria provided, single submitter. Criteria: ACMG Guidelines, 2015. Collection method: clinical testing. Allele origin: germline. Affected: no.

Clinical Genomics, Uppaluri K&H Personalized Medicine Clinic
Classification: Uncertain significance for Maturity-onset diabetes of the young. Review status: criteria provided, single submitter. Criteria: K & H Uppaluri Personalized Medicine Clinic Variant Classification & Assertion Criteria_Updated V.1. Collection method: research. Allele origin: somatic. Inheritance: Autosomal dominant inheritance.
Comment: Mutations in KCNJ11 gene can cause decreased production and secretion of insulin. This can lead to MODY which may be responsive to oral sulfonylureas. It is also associated with Neonatal Diabetes. However, no sufficient evidence is found to ascertain the role of this particular variant (rs146464426) in MODY yet.

PreventionGenetics, part of Exact Sciences
Classification: Likely benign for KCNJ11-related condition. Last evaluated: 2022-05-27. Review status: no assertion criteria provided. Collection method: clinical testing. Allele origin: germline. Not counted in ClinVar's aggregate classification.
Comment: This variant is classified as likely benign based on ACMG/AMP sequence variant interpretation guidelines (Richards et al. 2015 PMID: 25741868, with internal and published modifications).

Literature cited by the submitters: PubMed 26448950 (cited by Clinical Genomics, Uppaluri K&H Personalized Medicine Clinic); PubMed 15580558 (cited by Clinical Genomics, Uppaluri K&H Personalized Medicine Clinic); PubMed 15718250 (cited by Clinical Genomics, Uppaluri K&H Personalized Medicine Clinic); PubMed 32935446 (cited by Clinical Genomics, Uppaluri K&H Personalized Medicine Clinic); PubMed 22701567 (cited by Clinical Genomics, Uppaluri K&H Personalized Medicine Clinic).

NC_000011.10:g.17388660G>A

Gene: KCNJ11 (potassium inwardly rectifying channel subfamily J member 11; minus strand). Cytogenetic location: 11p15.1.
Variant type: single nucleotide variant.
Molecular consequence: intron variant (on NM_001166290.2).
Genome position: GRCh38 VCF-style: chr11-17388660-G-A. GRCh37 (hg19) VCF-style: chr11-17410207-G-A.
Other names: c.-17+514C>T (NM_001166290.2); c.-17+181C>T (NM_001377297.1); c.-76+181C>T (NM_001377296.1).
Identifiers: ClinVar variation 435555 (VCV000435555.10), dbSNP rs146464426, ClinGen allele CA218400871.
Genomic context (GRCh38, chr11:17,388,660, plus strand): 5'-AAAAAACAGCCTCACCCTTGAGCCCACCTGCCTGGCGCCTAGGGAGCCCCCAACCCTGCC[G>A]GCTCTCCACCTGGCCCTGCGTCCTCCCCCAGCTTCCCCCACCAGCTGACCACCCCTGGGC-3'